The following is an entry in ClinVar:

ClinVar aggregate classification (germline): Pathogenic (1 of 4 stars; one submission).

Submission:

Labcorp Genetics (formerly Invitae), Labcorp
Classification: Pathogenic. Last evaluated: 2022-08-20. Review status: criteria provided, single submitter. Criteria: Invitae Variant Classification Sherloc (09022015). Collection method: clinical testing. Allele origin: germline.
Comment: This sequence change creates a premature translational stop signal (p.Gly1254Glufs*185) in the LRP5 gene. It is expected to result in an absent or disrupted protein product. Loss-of-function variants in LRP5 are known to be pathogenic (PMID: 11719191, 16252235, 25711638). This variant is not present in population databases (gnomAD no frequency). This variant has not been reported in the literature in individuals affected with LRP5-related conditions. For these reasons, this variant has been classified as Pathogenic.

Literature cited by the submitters: PubMed 11719191; PubMed 16252235; PubMed 25711638.

NM_002335.4(LRP5):c.3761del (p.Gly1254fs)

Gene: LRP5 (LDL receptor related protein 5; plus strand). Cytogenetic location: 11q13.2.
Variant type: Deletion.
Coding change: c.3761del on transcript NM_002335.4 (MANE Select); coding-DNA position 3761, one base deleted (G; older notation c.3761delG).
Protein change: p.Gly1254fs; shifts the reading frame from glycine 1254.
Molecular consequence: frameshift variant.
Genome position (GRCh38, 1-based): chr11:68,429,698, G deleted; the last of 2 consecutive G bases (chr11:68,429,697-68,429,698); deleting either gives the same sequence. VCF-style (leftmost placement, unchanged base first): chr11-68429696-TG-T. GRCh37 (hg19) VCF-style: chr11-68197164-TG-T.
Other names: c.2018del, p.Gly673fs (NM_001291902.2); short protein forms G673fs, G1254fs.
Identifiers: ClinVar variation 2134918 (VCV002134918.4), dbSNP rs2496853827, ClinGen allele CA2580084717.
Genomic context (GRCh38, chr11:68,429,696, plus strand): 5'-TGGGACACCACGGTGCTCATGCCCAGTCCACCTCGTGCTCCTGCAGAACCTGCTGACCTG[TG>T]GAGGTAGGTGTGACCTAGGTGCTCCTTTGGGGTGATGGACAGGTACCTGATTCTCTGCCT-3'